The following is an entry in ClinVar:

ClinVar aggregate classification (germline): Likely benign. Review status: criteria provided, multiple submitters, no conflicts (2 of 4 stars). 2 submissions from 2 submitters: Likely benign (2). Last evaluated 2023-09-17.

Conditions:
Familial thoracic aortic aneurysm and aortic dissection (TAAD). Also called: Thoracic aortic aneurysms and dissections. Identifiers: Orphanet 91387, MedGen C4707243, MONDO:0019625.
Aortic aneurysm, familial thoracic 6 (AAT6). Also called: FAMILIAL THORACIC AORTIC ANEURYSM WITH LIVEDO RETICULARIS AND IRIS FLOCCULI. Identifiers: MedGen C2673186, MONDO:0012730, OMIM 611788.

Allele frequency attached by ClinVar (database versions not stated): gnomAD exomes below 0.00001.

Submissions (2):

All of Us Research Program, National Institutes of Health
Classification: Likely benign for Familial thoracic aortic aneurysm and aortic dissection. Last evaluated: 2023-09-17. Review status: criteria provided, single submitter. Criteria: ACMG Guidelines, 2015. Collection method: clinical testing. Allele origin: germline. Inheritance: Autosomal dominant inheritance. Observed: 1 variant allele, 1 heterozygote.
Comment: This study involves interpretation of variants in research participants for the purpose of population health screening. Participant phenotype was not available at the time of variant classification. Additional details can be found in publication PMID: 35346344, PMCID: PMC8962531

Labcorp Genetics (formerly Invitae), Labcorp
Classification: Likely benign for Aortic aneurysm, familial thoracic 6. Last evaluated: 2022-08-31. Review status: criteria provided, single submitter. Criteria: Invitae Variant Classification Sherloc (09022015). Collection method: clinical testing. Allele origin: germline.

NM_001613.4(ACTA2):c.617-12T>C

Genes: ACTA2 (actin alpha 2, smooth muscle; minus strand), ACTA2-AS1 (ACTA2 antisense RNA 1; plus strand). Cytogenetic location: 10q23.31.
Variant type: single nucleotide variant.
Coding change: c.617-12T>C on transcript NM_001613.4 (MANE Select); 12 bases into the intron before coding-DNA position 617, T replaced by C.
Molecular consequence: intron variant. On other transcripts: non-coding transcript variant (1).
Genome position (GRCh38, 1-based): chr10:88,939,710, A>G on the plus strand (T>C on the coding strand, the complement: ACTA2 is on the minus strand). VCF-style: chr10-88939710-A-G. GRCh37 (hg19) VCF-style: chr10-90699467-A-G.
Other names: c.488-12T>C (NM_001406467.1, NM_001406468.1, NM_001406469.1); c.617-12T>C (NM_001320855.2, NM_001406462.1, NM_001141945.3 and 2 more transcripts); c.617-1468T>C (NM_001406471.1); c.506-12T>C (NM_001406466.1).
Identifiers: ClinVar variation 2153050 (VCV002153050.5), dbSNP rs2494529228, ClinGen allele CA470731180.